The following is an entry in ClinVar:

NM_033380.3(COL4A5):c.3562G>A (p.Gly1188Ser)

Gene: COL4A5 (collagen type IV alpha 5 chain; plus strand). Cytogenetic location: Xq22.3.
Variant type: single nucleotide variant.
Coding change: c.3562G>A on transcript NM_033380.3 (MANE Select); coding-DNA position 3562, G replaced by A.
Protein change: p.Gly1188Ser; replaces glycine 1188 with serine.
Molecular consequence: missense variant.
Genome position (GRCh38, 1-based): chrX:108,667,141, G>A. VCF-style: chrX-108667141-G-A. GRCh37 (hg19) VCF-style: chrX-107910371-G-A.
Other names: c.3562G>A, p.Gly1188Ser (NM_000495.5); short protein forms G1188S.
Identifiers: ClinVar variation 3335954 (VCV003335954.2).
Genomic context (GRCh38, chrX:108,667,141, plus strand): 5'-GTTTGTATTATCCACTTGAGTTTTTGTTTTGTTTTGTTTTGTACTCTGACAGGTCAACCA[G>A]GCTTTGGAAACCCAGGACCCCCTGGACTTCCAGGACTTTCTGGTAAACCTTAATAAAACA-3'
Protein context (NP_203699.1, residues 1178-1198): AGQKGEPGQP[Gly1188Ser]FGNPGPPGLP

ClinVar aggregate classification (germline): Conflicting classifications of pathogenicity. Review status: criteria provided, conflicting classifications (1 of 4 stars). 2 submissions from 2 submitters: Likely pathogenic (1); Uncertain significance (1). Last evaluated 2024-05-15.

Conditions:
X-linked Alport syndrome (ATS1). Also called: COL4A5-Related Nephropathy; NEPHROPATHY AND DEAFNESS, X-LINKED. Identifiers: Orphanet 63, Orphanet 88917, MedGen C4746986, MONDO:0010520, OMIM 301050.

Submissions (2):

Fulgent Genetics
Classification: Likely pathogenic for X-linked Alport syndrome. Last evaluated: 2024-05-15. Review status: criteria provided, single submitter. Criteria: ACMG Guidelines, 2015. Collection method: clinical testing. Allele origin: germline.

Women's Health and Genetics/Laboratory Corporation of America, LabCorp
Classification: Uncertain significance. Last evaluated: 2024-05-14. Review status: criteria provided, single submitter. Criteria: LabCorp Variant Classification Summary - May 2015. Collection method: clinical testing. Allele origin: germline.
Comment: Variant summary: COL4A5 c.3562G>A (p.Gly1188Ser) results in a non-conservative amino acid change located in the Triple-helical region (Uniprot) of the encoded protein sequence. This missense variant disrupts a glycine residue at a position in the collagenous domain of the collagen IV alpha 5 chain for which the impact is not known (PMID: 33854215). Five of five in-silico tools predict a damaging effect of the variant on protein function. The variant was absent in 183309 control chromosomes. The available data on variant occurrences in the general population are insufficient to allow any conclusion about variant significance. To our knowledge, no occurrence of c.3562G>A in individuals affected with Alport Syndrome 1, X-Linked Recessive and no experimental evidence demonstrating its impact on protein function have been reported. No submitters have cited clinical-significance assessments for this variant to ClinVar. Based on the evidence outlined above, the variant was classified as uncertain significance.